The following is an entry in ClinVar:

NM_001127255.2(NLRP7):c.2542C>T (p.Leu848=)

Genes: NCR1 (natural cytotoxicity triggering receptor 1), NLRP7 (NLR family pyrin domain containing 7; minus strand). Cytogenetic location: 19q13.42.
Variant type: single nucleotide variant.
Coding change: c.2542C>T on transcript NM_001127255.2 (MANE Select); coding-DNA position 2542, C replaced by T.
Protein change: p.Leu848=; no amino-acid change (leucine 848 retained).
Molecular consequence: synonymous variant.
Genome position (GRCh38, 1-based): chr19:54,933,669, G>A on the plus strand (C>T on the coding strand, the complement: NLRP7 is on the minus strand). VCF-style: chr19-54933669-G-A. GRCh37 (hg19) VCF-style: chr19-55445037-G-A.
Other names: c.2542C>T, p.Leu848= (NM_001405531.1, NM_206828.4); c.2458C>T, p.Leu820= (NM_139176.4).
Identifiers: ClinVar variation 3043555 (VCV003043555.2), dbSNP rs139417508, ClinGen allele CA310010267.

ClinVar aggregate classification (germline): Likely benign (0 of 4 stars; one submission).

Conditions:
NLRP7-related disorder. Also called: NLRP7-related condition.

Allele frequency attached by ClinVar (database versions not stated): ExAC 0.00004; ESP Exome Variant Server 0.00008; gnomAD 0.00010; TOPMed 0.00015; 1000 Genomes Project 30x 0.00016; 1000 Genomes Project 0.00020.
gnomAD v4.1: 73 of 1,614,158 alleles (0.0045%); highest among the groups gnomAD compares: Middle Eastern, 0.099%; no homozygotes.

Submission:

PreventionGenetics, part of Exact Sciences
Classification: Likely benign for NLRP7-related condition. Last evaluated: 2019-07-03. Review status: no assertion criteria provided. Collection method: clinical testing. Allele origin: germline.
Comment: This variant is classified as likely benign based on ACMG/AMP sequence variant interpretation guidelines (Richards et al. 2015 PMID: 25741868, with internal and published modifications).